The following is an entry in ClinVar:

ClinVar aggregate classification (germline): Pathogenic (1 of 4 stars; one submission).

Submission:

Labcorp Genetics (formerly Invitae), Labcorp
Classification: Pathogenic. Last evaluated: 2022-12-20. Review status: criteria provided, single submitter. Criteria: Invitae Variant Classification Sherloc (09022015). Collection method: clinical testing. Allele origin: germline.
Comment: This variant has not been reported in the literature in individuals affected with OTOG-related conditions. For these reasons, this variant has been classified as Pathogenic. This variant is not present in population databases (gnomAD no frequency). This sequence change creates a premature translational stop signal (p.Ser787Ilefs*29) in the OTOG gene. It is expected to result in an absent or disrupted protein product. Loss-of-function variants in OTOG are known to be pathogenic (PMID: 23122587).

Literature cited by the submitters: PubMed 23122587.

NM_001292063.2(OTOG):c.2322_2323dup (p.Ser775fs)

Gene: OTOG (otogelin; plus strand). Cytogenetic location: 11p15.1.
Variant type: Microsatellite.
Coding change: c.2322_2323dup on transcript NM_001292063.2 (MANE Select); coding-DNA positions 2322 to 2323, 2 bases duplicated (TA; older notation c.2322_2323dupTA).
Protein change: p.Ser775fs; shifts the reading frame from serine 775.
Molecular consequence: frameshift variant.
Genome position (GRCh38, 1-based): chr11:17,574,748-17,574,749, TA duplicated; duplicating any 2 consecutive bases within chr11:17,574,746-17,574,749 gives the same sequence; the c. name uses the placement nearest the transcript's 3' end. VCF-style (leftmost placement, unchanged base first): chr11-17574745-G-GTA. GRCh37 (hg19) VCF-style: chr11-17596292-G-GTA.
Other names: c.2358_2359dup, p.Ser787fs (NM_001277269.2); short protein forms S787fs, S775fs.
Identifiers: ClinVar variation 2814727 (VCV002814727.3), dbSNP rs2497427091, ClinGen allele CA2739276271.